The following is an entry in ClinVar:

ClinVar aggregate classification (germline): Uncertain significance. Review status: criteria provided, multiple submitters, no conflicts (2 of 4 stars). 2 submissions from 2 submitters: Uncertain significance (2). Last evaluated 2026-03-09.

Conditions:
TECTA-related disorder. Also called: TECTA-related condition.

gnomAD v4.1: 65 of 1,609,220 alleles (0.004%); highest among the groups gnomAD compares: South Asian, 0.0099%; no homozygotes.

Submissions (2):

PreventionGenetics, part of Exact Sciences
Classification: Uncertain significance for TECTA-related condition. Last evaluated: 2026-03-09. Review status: criteria provided, single submitter. Criteria: ACMG Guidelines, 2015. Collection method: clinical testing. Allele origin: germline.
Comment: The TECTA c.2875C>T variant is predicted to result in the amino acid substitution p.Arg959Trp. To our knowledge, this variant has not been reported in the literature. This variant is reported in 0.0065% of alleles in individuals of South Asian descent in gnomAD. At this time, the clinical significance of this variant is uncertain due to the absence of conclusive functional and genetic evidence.

Labcorp Genetics (formerly Invitae), Labcorp
Classification: Uncertain significance. Last evaluated: 2024-03-10. Review status: criteria provided, single submitter. Criteria: Invitae Variant Classification Sherloc (09022015). Collection method: clinical testing. Allele origin: germline.
Comment: This sequence change replaces arginine, which is basic and polar, with tryptophan, which is neutral and slightly polar, at codon 959 of the TECTA protein (p.Arg959Trp). The frequency data for this variant in the population databases is considered unreliable, as metrics indicate poor data quality at this position in the gnomAD database. This variant has not been reported in the literature in individuals affected with TECTA-related conditions. Advanced modeling of protein sequence and biophysical properties (such as structural, functional, and spatial information, amino acid conservation, physicochemical variation, residue mobility, and thermodynamic stability) performed at Invitae indicates that this missense variant is not expected to disrupt TECTA protein function with a negative predictive value of 95%. In summary, the available evidence is currently insufficient to determine the role of this variant in disease. Therefore, it has been classified as a Variant of Uncertain Significance.

NM_005422.4(TECTA):c.2875C>T (p.Arg959Trp)

Genes: TBCEL-TECTA (TBCEL-TECTA readthrough; plus strand), TECTA (tectorin alpha; plus strand), LOC126861365 (P300/CBP strongly-dependent group 1 enhancer GRCh37_chr11:121000154-121001353; plus strand). Cytogenetic location: 11q23.3.
Variant type: single nucleotide variant.
Coding change: c.2875C>T on transcript NM_005422.4 (MANE Select); coding-DNA position 2875, C replaced by T.
Protein change: p.Arg959Trp; replaces arginine 959 with tryptophan.
Molecular consequence: missense variant.
Genome position (GRCh38, 1-based): chr11:121,130,145, C>T. VCF-style: chr11-121130145-C-T. GRCh37 (hg19) VCF-style: chr11-121000854-C-T.
Other names: c.3832C>T, p.Arg1278Trp (NM_001378761.1); short protein forms R1278W, R959W.
Identifiers: ClinVar variation 3356547 (VCV003356547.4).